The following is an entry in ClinVar:

ClinVar aggregate classification (germline): Likely benign (1 of 4 stars; one submission).

Conditions:
Melanoma-pancreatic cancer syndrome. Identifiers: Orphanet 404560, MedGen C1838547, MONDO:0011713, OMIM 606719. Disease mechanism: loss of function.

Submission:

Myriad Genetics, Inc.
Classification: Likely benign for Melanoma-pancreatic cancer syndrome. Last evaluated: 2025-08-14. Review status: criteria provided, single submitter. Criteria: Myriad Autosomal Dominant, Autosomal Recessive and X-Linked Classification Criteria (2023). Collection method: clinical testing. Allele origin: unknown.
Comment: This variant is considered likely benign. This variant is intronic and is not expected to impact mRNA splicing.

NM_000077.5(CDKN2A):c.150+3G>A

Gene: CDKN2A (cyclin dependent kinase inhibitor 2A; minus strand). Cytogenetic location: 9p21.3.
Variant type: single nucleotide variant.
Coding change: c.150+3G>A on transcript NM_000077.5 (MANE Select); 3 bases into the intron after coding-DNA position 150, G replaced by A.
Molecular consequence: intron variant. On other transcripts: synonymous variant (1).
Genome position (GRCh38, 1-based): chr9:21,974,675, C>T on the plus strand (G>A on the coding strand, the complement: CDKN2A is on the minus strand). VCF-style: chr9-21974675-C-T. GRCh37 (hg19) VCF-style: chr9-21974674-C-T.
Other names: c.153G>A, p.Val51= (NM_058197.5); c.-3-3467G>A (NM_001363763.2); c.194-3467G>A (NM_058195.4); c.150+3G>A (NM_001195132.2).
Identifiers: ClinVar variation 4294296 (VCV004294296.1).